The following is an entry in ClinVar:

NM_001127222.2(CACNA1A):c.2989G>A (p.Asp997Asn)

Gene: CACNA1A (calcium voltage-gated channel subunit alpha1 A; minus strand). Cytogenetic location: 19p13.13.
Variant type: single nucleotide variant.
Coding change: c.2989G>A on transcript NM_001127222.2 (MANE Select); coding-DNA position 2989, G replaced by A.
Protein change: p.Asp997Asn; replaces aspartic acid 997 with asparagine.
Molecular consequence: missense variant.
Genome position (GRCh38, 1-based): chr19:13,298,644, C>T on the plus strand (G>A on the coding strand, the complement: CACNA1A is on the minus strand). VCF-style: chr19-13298644-C-T. GRCh37 (hg19) VCF-style: chr19-13409458-C-T.
Other names: c.3001G>A, p.Asp1001Asn (NM_000068.4, NM_023035.3); c.2992G>A, p.Asp998Asn (NM_001127221.2, NM_001174080.2); short protein forms D1001N, D997N, D998N.
Identifiers: ClinVar variation 995010 (VCV000995010.13), dbSNP rs2057721376, ClinGen allele CA404342306.

ClinVar aggregate classification (germline): Uncertain significance. Review status: criteria provided, multiple submitters, no conflicts (2 of 4 stars). 4 submissions from 4 submitters: Uncertain significance (4). Last evaluated 2025-10-03.

Conditions:
Epileptic encephalopathy. Identifiers: MedGen C0543888, HP:0200134.
Developmental and epileptic encephalopathy, 42 (DEE42A). Also called: Epileptic encephalopathy, early infantile, 42; DEVELOPMENTAL AND EPILEPTIC ENCEPHALOPATHY 42A; EPILEPTIC ENCEPHALOPATHY, EARLY INFANTILE, 42A. Identifiers: MedGen C4310716, MONDO:0014917, OMIM 617106.
Episodic ataxia type 2 (EA2). Also called: ACETAZOLAMIDE-RESPONSIVE HEREDITARY PAROXYSMAL CEREBELLAR ATAXIA; ATAXIA, EPISODIC, WITH NYSTAGMUS; ATAXIA, FAMILIAL PAROXYSMAL; CEREBELLAR ATAXIA, PAROXYSMAL, ACETAZOLAMIDE-RESPONSIVE; CEREBELLOPATHY, HEREDITARY PAROXYSMAL; EPISODIC ATAXIA, NYSTAGMUS-ASSOCIATED. Identifiers: Orphanet 97, MedGen C1720416, MONDO:0007163, OMIM 108500.

Allele frequency attached by ClinVar (database versions not stated): TOPMed below 0.00001.

Submissions (4):

Women's Health and Genetics/Laboratory Corporation of America, LabCorp
Classification: Uncertain significance. Last evaluated: 2025-10-03. Review status: criteria provided, single submitter. Criteria: LabCorp Variant Classification Summary - May 2015. Collection method: clinical testing. Allele origin: germline.
Comment: Variant summary: CACNA1A c.2992G>A (p.Asp998Asn) results in a conservative amino acid change in the encoded protein sequence. Algorithms developed to predict the effect of missense changes on protein structure and function all suggest that this variant is likely to be tolerated. The variant was absent in 115230 control chromosomes. The available data on variant occurrences in the general population are insufficient to allow any conclusion about variant significance. To our knowledge, no occurrence of c.2992G>A in individuals affected with CACNA1A-related conditions and no experimental evidence demonstrating its impact on protein function have been reported. ClinVar contains an entry for this variant (Variation ID: 995010). Based on the evidence outlined above, the variant was classified as uncertain significance.

Labcorp Genetics (formerly Invitae), Labcorp
Classification: Uncertain significance for Developmental and epileptic encephalopathy, 42; Episodic ataxia type 2. Last evaluated: 2024-09-06. Review status: criteria provided, single submitter. Criteria: Invitae Variant Classification Sherloc (09022015). Collection method: clinical testing. Allele origin: germline.
Comment: This sequence change replaces aspartic acid, which is acidic and polar, with asparagine, which is neutral and polar, at codon 998 of the CACNA1A protein (p.Asp998Asn). This variant is not present in population databases (gnomAD no frequency). This variant has not been reported in the literature in individuals affected with CACNA1A-related conditions. ClinVar contains an entry for this variant (Variation ID: 995010). Invitae Evidence Modeling of protein sequence and biophysical properties (such as structural, functional, and spatial information, amino acid conservation, physicochemical variation, residue mobility, and thermodynamic stability) indicates that this missense variant is not expected to disrupt CACNA1A protein function with a negative predictive value of 95%. In summary, the available evidence is currently insufficient to determine the role of this variant in disease. Therefore, it has been classified as a Variant of Uncertain Significance.

Unidad de Genómica Garrahan, Hospital de Pediatría Garrahan
Classification: Uncertain significance for Epileptic encephalopathy. Last evaluated: 2024-01-11. Review status: criteria provided, single submitter. Criteria: ACMG Guidelines, 2015. Collection method: clinical testing. Allele origin: germline. Affected: yes.

Athena Diagnostics
Classification: Uncertain significance. Last evaluated: 2020-08-10. Review status: criteria provided, single submitter. Criteria: Athena Diagnostics Criteria. Collection method: clinical testing. Allele origin: unknown.